The following is an entry in ClinVar:

ClinVar aggregate classification (germline): Conflicting classifications of pathogenicity. Review status: criteria provided, conflicting classifications (1 of 4 stars). 2 submissions from 2 submitters: Pathogenic (1); Uncertain significance (1). Last evaluated 2026-04-27.

Conditions:
Autosomal dominant Alport syndrome (ATS3A). Also called: Alport syndrome dominant type; Renal failure and sensorineural hearing loss; ALPORT SYNDROME 3A, AUTOSOMAL DOMINANT. Identifiers: Orphanet 63, Orphanet 88918, MedGen C5882663, MONDO:0007086, OMIM 104200.

Allele frequency attached by ClinVar (database versions not stated): gnomAD 0.00001; gnomAD exomes 0.00001; ExAC 0.00002.

Submissions (2):

Women's Health and Genetics/Laboratory Corporation of America, LabCorp
Classification: Uncertain significance. Last evaluated: 2026-04-27. Review status: criteria provided, single submitter. Criteria: LabCorp Variant Classification Summary - May 2015. Collection method: clinical testing. Allele origin: germline.
Comment: Variant summary: COL4A3 c.5008delC (p.His1670ThrfsX31) causes a frameshift which results in an extension of the protein. The variant allele was found at a frequency of 1.2e-05 in 249356 control chromosomes. The available data on variant occurrences in the general population are insufficient to allow any conclusion about variant significance. To our knowledge, no occurrence of c.5008delC in individuals affected with COL4A3-related conditions and no experimental evidence demonstrating its impact on protein function have been reported. ClinVar contains an entry for this variant (Variation ID: 3236079). Based on the evidence outlined above, the variant was classified as uncertain significance.

MVZ Medizinische Genetik Mainz
Classification: Pathogenic for Autosomal dominant Alport syndrome. Last evaluated: 2023-10-10. Review status: criteria provided, single submitter. Criteria: UK Practice Guidelines For Variant Classification V4 01 2020. Collection method: clinical testing. Allele origin: germline. Inheritance: Autosomal recessive inheritance. Affected: yes. Observed: 1 variant allele.
Comment: ACMG Criteria: PVS1,PM2_SUP,PP4

NM_000091.5(COL4A3):c.5008del (p.His1670fs)

Genes: COL4A3 (collagen type IV alpha 3 chain; plus strand), MFF-DT (MFF divergent transcript; minus strand). Cytogenetic location: 2q36.3.
Variant type: Deletion.
Coding change: c.5008del on transcript NM_000091.5 (MANE Select); coding-DNA position 5008, one base deleted (C; older notation c.5008delC).
Protein change: p.His1670fs; shifts the reading frame from histidine 1670.
Molecular consequence: frameshift variant.
Genome position (GRCh38, 1-based): chr2:227,311,865, C deleted. VCF-style (leftmost placement, unchanged base first): chr2-227311864-AC-A. GRCh37 (hg19) VCF-style: chr2-228176580-AC-A.
Other names: c.5008delC (NM_000091.5); short protein forms H1670fs.
Identifiers: ClinVar variation 3236079 (VCV003236079.2), dbSNP rs751021793, ClinGen allele CA2147706.